The following is an entry in ClinVar:

NM_001220.5(CAMK2B):c.702G>A (p.Pro234=)

Gene: CAMK2B (calcium/calmodulin dependent protein kinase II beta; minus strand). Cytogenetic location: 7p13.
Variant type: single nucleotide variant.
Coding change: c.702G>A on transcript NM_001220.5 (MANE Select); coding-DNA position 702, G replaced by A.
Protein change: p.Pro234=; no amino-acid change (proline 234 retained).
Molecular consequence: synonymous variant.
Genome position (GRCh38, 1-based): chr7:44,242,335, C>T on the plus strand (G>A on the coding strand, the complement: CAMK2B is on the minus strand). VCF-style: chr7-44242335-C-T. GRCh37 (hg19) VCF-style: chr7-44281934-C-T.
Other names: c.702G>A, p.Pro234= (NM_001293170.2, NM_172078.3, NM_172079.3 and 5 more transcripts).
Identifiers: ClinVar variation 1663971 (VCV001663971.16), dbSNP rs150221609, ClinGen allele CA4240601.
Genomic context (GRCh38, chr7:44,242,335, plus strand): 5'-GGTCAGCATCTGGTTGATGAGGTTTTTGGCTTCAGGAGTGACGGTGTCCCACTCAGGGGA[C>T]GGGAACTGCAGAAGGAAACAGCGCCCCGGCCGGGCCTGAAGCTCCCTCTCAGGCAGGGGC-3'
Protein context (NP_001211.3, residues 224-244): QQIKAGAYDF[Pro234=]SPEWDTVTPE

ClinVar aggregate classification (germline): Likely benign. Review status: criteria provided, multiple submitters, no conflicts (2 of 4 stars). 3 submissions from 3 submitters: Likely benign (3). Last evaluated 2026-01-31.

Allele frequency attached by ClinVar (database versions not stated): 1000 Genomes Project 0.00020; gnomAD 0.00026; 1000 Genomes Project 30x 0.00031; ESP Exome Variant Server 0.00031.
gnomAD v4.1: 559 of 1,613,098 alleles (0.035%); highest among the groups gnomAD compares: Non-Finnish European, 0.039%; no homozygotes.

Submissions (3):

Labcorp Genetics (formerly Invitae), Labcorp
Classification: Likely benign. Last evaluated: 2026-01-31. Review status: criteria provided, single submitter. Criteria: Invitae Variant Classification Sherloc (09022015). Collection method: clinical testing. Allele origin: germline.

CeGaT Center for Human Genetics Tuebingen
Classification: Likely benign. Last evaluated: 2025-09-01. Review status: criteria provided, single submitter. Criteria: CeGaT Center For Human Genetics Tuebingen Variant Classification Criteria Version 2. Collection method: clinical testing. Allele origin: germline. Affected: yes. Observed: 1 variant allele.
Comment: CAMK2B: BP4, BP7

Blueprint Genetics
Classification: Likely benign. Last evaluated: 2024-09-04. Review status: criteria provided, single submitter. Criteria: ACMG Guidelines, 2015. Collection method: clinical testing. Allele origin: germline.